The following is an entry in ClinVar:

ClinVar aggregate classification (germline): Uncertain significance. Review status: criteria provided, multiple submitters, no conflicts (2 of 4 stars). 3 submissions from 3 submitters: Uncertain significance (3). Last evaluated 2025-12-04.

Conditions:
Inborn genetic diseases. Identifiers: MedGen C0950123, MeSH D030342.
Peroxisome biogenesis disorder 3A (Zellweger). Also called: Peroxisome biogenesis disorder 3A; PEROXISOMAL BIOGENESIS DISORDER 3A (ZELLWEGER). Identifiers: Orphanet 912, MedGen C3553929, MONDO:0013927, OMIM 614859.

Allele frequency attached by ClinVar (database versions not stated): ExAC 0.00001; gnomAD 0.00001; gnomAD exomes 0.00002.
gnomAD v4.1: 25 of 1,614,030 alleles (0.0015%); highest among the groups gnomAD compares: Middle Eastern, 0.016%; no homozygotes.

Submissions (3):

Ambry Genetics
Classification: Uncertain significance for Inborn genetic diseases. Last evaluated: 2025-12-04. Review status: criteria provided, single submitter. Criteria: Ambry Variant Classification Scheme 2023. Collection method: clinical testing. Allele origin: germline.

Labcorp Genetics (formerly Invitae), Labcorp
Classification: Uncertain significance for Peroxisome biogenesis disorder 3A (Zellweger). Last evaluated: 2021-10-09. Review status: criteria provided, single submitter. Criteria: Invitae Variant Classification Sherloc (09022015). Collection method: clinical testing. Allele origin: germline.
Comment: This sequence change replaces glutamic acid with glycine at codon 3 of the PEX12 protein (p.Glu3Gly). The glutamic acid residue is highly conserved and there is a moderate physicochemical difference between glutamic acid and glycine. This variant is present in population databases (rs769571282, ExAC 0.001%). This variant has not been reported in the literature in individuals affected with PEX12-related conditions. ClinVar contains an entry for this variant (Variation ID: 501354). Algorithms developed to predict the effect of missense changes on protein structure and function are either unavailable or do not agree on the potential impact of this missense change (SIFT: "Tolerated"; PolyPhen-2: "Probably Damaging"; Align-GVGD: "Class C0"). In summary, the available evidence is currently insufficient to determine the role of this variant in disease. Therefore, it has been classified as a Variant of Uncertain Significance.

Eurofins Ntd Llc (ga)
Classification: Uncertain significance. Last evaluated: 2017-04-10. Review status: criteria provided, single submitter. Criteria: EGL Classification Definitions 2015. Collection method: clinical testing. Allele origin: germline. Observed: 1 variant allele, 1 heterozygote.

NM_000286.3(PEX12):c.8A>G (p.Glu3Gly)

Gene: PEX12 (peroxisomal biogenesis factor 12; minus strand). Cytogenetic location: 17q12.
Variant type: single nucleotide variant.
Coding change: c.8A>G on transcript NM_000286.3 (MANE Select); coding-DNA position 8, A replaced by G.
Protein change: p.Glu3Gly; replaces glutamic acid 3 with glycine.
Molecular consequence: missense variant.
Genome position (GRCh38, 1-based): chr17:35,578,014, T>C on the plus strand (A>G on the coding strand, the complement: PEX12 is on the minus strand). VCF-style: chr17-35578014-T-C. GRCh37 (hg19) VCF-style: chr17-33905033-T-C.
Other names: c.8A>G (NM_000286.2); short protein forms E3G.
Identifiers: ClinVar variation 501354 (VCV000501354.8), dbSNP rs769571282, ClinGen allele CA8505005.